The following is an entry in ClinVar:

NM_001123385.2(BCOR):c.1575G>A (p.Met525Ile)

Genes: BCOR (BCL6 corepressor; minus strand), LOC126863239 (MED14-independent group 3 enhancer GRCh37_chrX:39932994-39934193; plus strand). Cytogenetic location: Xp11.4.
Variant type: single nucleotide variant.
Coding change: c.1575G>A on transcript NM_001123385.2 (MANE Select); coding-DNA position 1575, G replaced by A.
Protein change: p.Met525Ile; replaces methionine 525 with isoleucine.
Molecular consequence: missense variant.
Genome position (GRCh38, 1-based): chrX:40,073,771, C>T on the plus strand (G>A on the coding strand, the complement: BCOR is on the minus strand). VCF-style: chrX-40073771-C-T. GRCh37 (hg19) VCF-style: chrX-39933024-C-T.
Other names: c.1575G>A, p.Met525Ile (NM_001123383.2, NM_001123384.2, NM_017745.6); short protein forms M525I.
Identifiers: ClinVar variation 653812 (VCV000653812.9), dbSNP rs1602152534, ClinGen allele CA412746202.
Genomic context (GRCh38, chrX:40,073,771, plus strand): 5'-CGGGCATGATGAACTCCGCTGCTGTGGTATCGCCCAGTCCAATGCCTTGTTTTTCAGCGA[C>T]ATGCTTTTGCCATTGTTCTCTTCGTTAGGACTTGGCCCGGGCACCACCCAGGATGAGGGA-3'
Protein context (NP_001116857.1, residues 515-535): SPNEENNGKS[Met525Ile]SLKNKALDWA

ClinVar aggregate classification (germline): Uncertain significance (1 of 4 stars; one submission).

Conditions:
Oculofaciocardiodental syndrome (MCOPS2). Identifiers: Orphanet 2712, MedGen C1846265, MONDO:0010261, OMIM 300166.

Submission:

Labcorp Genetics (formerly Invitae), Labcorp
Classification: Uncertain significance for Oculofaciocardiodental syndrome. Last evaluated: 2023-01-05. Review status: criteria provided, single submitter. Criteria: Invitae Variant Classification Sherloc (09022015). Collection method: clinical testing. Allele origin: germline.
Comment: This sequence change replaces methionine, which is neutral and non-polar, with isoleucine, which is neutral and non-polar, at codon 525 of the BCOR protein (p.Met525Ile). This variant is not present in population databases (gnomAD no frequency). This variant has not been reported in the literature in individuals affected with BCOR-related conditions. ClinVar contains an entry for this variant (Variation ID: 653812). Algorithms developed to predict the effect of missense changes on protein structure and function output the following: SIFT: "Tolerated"; PolyPhen-2: "Benign"; Align-GVGD: "Class C0". The isoleucine amino acid residue is found in multiple mammalian species, which suggests that this missense change does not adversely affect protein function. In summary, the available evidence is currently insufficient to determine the role of this variant in disease. Therefore, it has been classified as a Variant of Uncertain Significance.